The following is an entry in ClinVar:

NM_130839.5(UBE3A):c.211G>A (p.Glu71Lys)

Genes: SNHG14 (small nucleolar RNA host gene 14; plus strand), UBE3A (ubiquitin protein ligase E3A; minus strand). Cytogenetic location: 15q11.2.
Variant type: single nucleotide variant.
Coding change: c.211G>A on transcript NM_130839.5 (MANE Select); coding-DNA position 211, G replaced by A.
Protein change: p.Glu71Lys; replaces glutamic acid 71 with lysine.
Molecular consequence: missense variant. On other transcripts: non-coding transcript variant (1).
Genome position (GRCh38, 1-based): chr15:25,375,615, C>T on the plus strand (G>A on the coding strand, the complement: UBE3A is on the minus strand). VCF-style: chr15-25375615-C-T. GRCh37 (hg19) VCF-style: chr15-25620762-C-T.
Other names: c.220G>A, p.Glu74Lys (NM_000462.5); c.211G>A, p.Glu71Lys (NM_001354505.1, NM_001354538.2, NM_001354545.2 and 1 more transcripts); c.151G>A, p.Glu51Lys (NM_001354506.2, NM_001354507.2, NM_001354508.2 and 18 more transcripts); c.34G>A, p.Glu12Lys (NM_001354546.2); short protein forms E12K, E51K, E71K, E74K.
Identifiers: ClinVar variation 1327325 (VCV001327325.2), dbSNP rs1207660411, ClinGen allele CA391356386.
Genomic context (GRCh38, chr15:25,375,615, plus strand): 5'-AGCTTGCTCCTTTCTTGGAGGGATGAGGATCACAGAGTTTTGCATTAATCTTATAAAGCT[C>T]GAGGGCTTTAATAGCTGCTGCATTATTATCCATACGAAGAAAAGTTGGACAGGAAGCACA-3'
Protein context (NP_570854.1, residues 61-81): DNNAAAIKAL[Glu71Lys]LYKINAKLCD

ClinVar aggregate classification (germline): Uncertain significance (1 of 4 stars; one submission).

Submission:

GeneDx
Classification: Uncertain significance. Last evaluated: 2021-11-23. Review status: criteria provided, single submitter. Criteria: GeneDx Variant Classification Process June 2021. Collection method: clinical testing. Allele origin: germline. Affected: yes.
Comment: Has not been previously published as pathogenic or benign to our knowledge; Not observed at significant frequency in large population cohorts (Lek et al., 2016); In silico analysis supports that this missense variant does not alter protein structure/function